The following is an entry in ClinVar:

NM_000548.5(TSC2):c.5069-3C>G

Gene: TSC2 (TSC complex subunit 2; plus strand). Cytogenetic location: 16p13.3.
Variant type: single nucleotide variant.
Coding change: c.5069-3C>G on transcript NM_000548.5 (MANE Select); 3 bases into the intron before coding-DNA position 5069, C replaced by G.
Molecular consequence: intron variant.
Genome position (GRCh38, 1-based): chr16:2,088,045, C>G. VCF-style: chr16-2088045-C-G. GRCh37 (hg19) VCF-style: chr16-2138046-C-G.
Other names: c.4853-3C>G (NM_001406675.1); c.4850-3C>G (NM_001406676.1); c.4724-3C>G (NM_001318829.2); c.4721-3C>G (NM_001406679.1); c.4271-3C>G (NM_001406686.1, NM_001406685.1); c.4901-3C>G (NM_001318832.2); c.3524-3C>G (NM_001406695.1, NM_001406696.1, NM_001406697.1); c.4859-3C>G (NM_001406671.1); and 26 more.
Identifiers: ClinVar variation 4720233 (VCV004720233.1).

ClinVar aggregate classification (germline): Uncertain significance (1 of 4 stars; one submission).

Conditions:
Tuberous sclerosis 2 (TSC2). Identifiers: Orphanet 805, MedGen C1860707, MONDO:0013199, OMIM 613254.

Submission:

Labcorp Genetics (formerly Invitae), Labcorp
Classification: Uncertain significance for Tuberous sclerosis 2. Last evaluated: 2025-05-26. Review status: criteria provided, single submitter. Criteria: Invitae Variant Classification Sherloc (09022015). Collection method: clinical testing. Allele origin: germline.
Comment: This sequence change falls in intron 39 of the TSC2 gene. It does not directly change the encoded amino acid sequence of the TSC2 protein. It affects a nucleotide within the consensus splice site. This variant is not present in population databases (gnomAD no frequency). This variant has not been reported in the literature in individuals affected with TSC2-related conditions. Variants that disrupt the consensus splice site are a relatively common cause of aberrant splicing (PMID: 17576681, 9536098). Studies have shown that this variant is associated with altered splicing resulting in multiple RNA products (internal data). In summary, the available evidence is currently insufficient to determine the role of this variant in disease. Therefore, it has been classified as a Variant of Uncertain Significance.

Literature cited by the submitters: PubMed 17576681; PubMed 9536098.